The following is an entry in ClinVar:

NM_198576.4(AGRN):c.4514+16G>C

Gene: AGRN (agrin; plus strand). Cytogenetic location: 1p36.33.
Variant type: single nucleotide variant.
Coding change: c.4514+16G>C on transcript NM_198576.4 (MANE Select); 16 bases into the intron after coding-DNA position 4514, G replaced by C.
Molecular consequence: intron variant.
Genome position (GRCh38, 1-based): chr1:1,049,467, G>C. VCF-style: chr1-1049467-G-C. GRCh37 (hg19) VCF-style: chr1-984847-G-C.
Other names: c.4514+16G>C (NM_001305275.2); c.4199+16G>C (NM_001364727.2).
Identifiers: ClinVar variation 263186 (VCV000263186.10), dbSNP rs112917612, ClinGen allele CA509486.

ClinVar aggregate classification (germline): Benign. Review status: criteria provided, multiple submitters, no conflicts (2 of 4 stars). 4 submissions from 4 submitters: Benign (4). Last evaluated 2026-02-02.

Conditions:
Congenital myasthenic syndrome 8. Also called: Myasthenic syndrome, congenital, 8, with pre- and postsynaptic defects; MYASTHENIC SYNDROME, CONGENITAL, DUE TO AGRIN DEFICIENCY. Identifiers: Orphanet 590, MedGen C3808739, MONDO:0014052, OMIM 615120.

Allele frequency attached by ClinVar (database versions not stated): gnomAD 0.05987 and 0.06389; 1000 Genomes Project 0.06110; 1000 Genomes Project 30x 0.06590; TOPMed 0.06831; ESP Exome Variant Server 0.06837.
gnomAD v4.1: 27,164 of 1,600,510 alleles (1.7%); highest among the groups gnomAD compares: African/African-American, 19%; 1,445 homozygotes.

Submissions (4):

Labcorp Genetics (formerly Invitae), Labcorp
Classification: Benign for Congenital myasthenic syndrome 8. Last evaluated: 2026-02-02. Review status: criteria provided, single submitter. Criteria: Invitae Variant Classification Sherloc (09022015). Collection method: clinical testing. Allele origin: germline.

GeneDx
Classification: Benign. Last evaluated: 2016-09-20. Review status: criteria provided, single submitter. Criteria: GeneDx Variant Classification (06012015). Collection method: clinical testing. Allele origin: germline. Affected: yes.
Comment: This variant is considered likely benign or benign based on one or more of the following criteria: it is a conservative change, it occurs at a poorly conserved position in the protein, it is predicted to be benign by multiple in silico algorithms, and/or has population frequency not consistent with disease.

Breakthrough Genomics
Classification: Benign. Review status: criteria provided, single submitter. Criteria: ACMG Guidelines, 2015. Collection method: not provided. Allele origin: germline. Inheritance: Autosomal recessive inheritance. Affected: yes.

PreventionGenetics, part of Exact Sciences
Classification: Benign. Review status: criteria provided, single submitter. Criteria: ACMG Guidelines, 2015. Collection method: clinical testing. Allele origin: germline.